The following is an entry in ClinVar:

NM_012330.4(KAT6B):c.3022-1G>A

Gene: KAT6B (lysine acetyltransferase 6B; plus strand). Cytogenetic location: 10q22.2.
Variant type: single nucleotide variant.
Coding change: c.3022-1G>A on transcript NM_012330.4 (MANE Select); the canonical splice acceptor site of the intron before coding-DNA position 3022, G replaced by A.
Molecular consequence: splice acceptor variant.
Genome position (GRCh38, 1-based): chr10:75,021,880, G>A. VCF-style: chr10-75021880-G-A. GRCh37 (hg19) VCF-style: chr10-76781638-G-A.
Other names: c.1957-1G>A (NM_001370144.1, NM_001370143.1); c.679-1G>A (NM_001370135.1); c.2146-1G>A (NM_001370142.1, NM_001370139.1, NM_001370140.1 and 2 more transcripts); c.3022-1G>A (NM_001370136.1, NM_001370137.1); c.2473-1G>A (NM_001370138.1, NM_001256468.2); c.1333-1G>A (NM_001370133.1); c.937-1G>A (NM_001370134.1); c.1984-1G>A (NM_001370132.1).
Identifiers: ClinVar variation 931557 (VCV000931557.3), dbSNP rs1845433207, ClinGen allele CA377282943.

ClinVar aggregate classification (germline): Pathogenic (1 of 4 stars; one submission).

Conditions:
Blepharophimosis - intellectual disability syndrome, SBBYS type (SBBYSS). Also called: Say-Barber-Biesecker variant of Ohdo syndrome (SBBYSS); Say-Barber-Biesecker-Young-Simpson variant of Ohdo Syndrome; Say-Barber-Biesecker Variant of Ohdo Syndrome; Ohdo syndrome, SBBYS variant; SBBYSS syndrome; Say-Barber-Biesecker-Young-Simpson syndrome. Identifiers: Orphanet 3047, MedGen C1863557, MONDO:0011365, OMIM 603736.

Submission:

Centre for Mendelian Genomics, University Medical Centre Ljubljana
Classification: Pathogenic for Blepharophimosis - intellectual disability syndrome, SBBYS type. Last evaluated: 2016-01-01. Review status: criteria provided, single submitter. Criteria: ACMG Guidelines, 2015. Collection method: clinical testing. Allele origin: unknown. Affected: yes.
Comment: This variant was classified as: Pathogenic.